The following is an entry in ClinVar:

ClinVar aggregate classification (germline): Uncertain significance (1 of 4 stars; one submission).

Submission:

Labcorp Genetics (formerly Invitae), Labcorp
Classification: Uncertain significance. Last evaluated: 2022-06-10. Review status: criteria provided, single submitter. Criteria: Invitae Variant Classification Sherloc (09022015). Collection method: clinical testing. Allele origin: germline.
Comment: This sequence change replaces glycine, which is neutral and non-polar, with arginine, which is basic and polar, at codon 1298 of the EYS protein (p.Gly1298Arg). This variant is not present in population databases (gnomAD no frequency). This variant has not been reported in the literature in individuals affected with EYS-related conditions. Algorithms developed to predict the effect of missense changes on protein structure and function are either unavailable or do not agree on the potential impact of this missense change (SIFT: "Deleterious"; PolyPhen-2: "Benign"; Align-GVGD: "Class C0"). In summary, the available evidence is currently insufficient to determine the role of this variant in disease. Therefore, it has been classified as a Variant of Uncertain Significance.

NM_001142800.2(EYS):c.3892G>C (p.Gly1298Arg)

Gene: EYS (eyes shut homolog; minus strand). Cytogenetic location: 6q12.
Variant type: single nucleotide variant.
Coding change: c.3892G>C on transcript NM_001142800.2 (MANE Select); coding-DNA position 3892, G replaced by C.
Protein change: p.Gly1298Arg; replaces glycine 1298 with arginine.
Molecular consequence: missense variant.
Genome position (GRCh38, 1-based): chr6:64,591,975, C>G on the plus strand (G>C on the coding strand, the complement: EYS is on the minus strand). VCF-style: chr6-64591975-C-G. GRCh37 (hg19) VCF-style: chr6-65301868-C-G.
Other names: c.3892G>C, p.Gly1298Arg (NM_001292009.2); short protein forms G1298R.
Identifiers: ClinVar variation 1936279 (VCV001936279.2), dbSNP rs2533155871, ClinGen allele CA364784489.